The following is an entry in ClinVar:

ClinVar aggregate classification (germline): Uncertain significance (1 of 4 stars; one submission).

Submission:

GeneDx
Classification: Uncertain significance. Last evaluated: 2026-09-29. Review status: criteria provided, single submitter. Criteria: GeneDx Variant Classification Process June 2021. Collection method: clinical testing. Allele origin: germline.
Comment: Not observed at significant frequency in large population cohorts (gnomAD); In silico analysis suggests that this missense variant does not alter protein structure/function; Has not been previously published as pathogenic or benign to our knowledge

NM_032634.4(PIGO):c.179C>A (p.Ala60Asp)

Gene: PIGO (phosphatidylinositol glycan anchor biosynthesis class O; minus strand). Cytogenetic location: 9p13.3.
Variant type: single nucleotide variant.
Coding change: c.179C>A on transcript NM_032634.4 (MANE Select); coding-DNA position 179, C replaced by A.
Protein change: p.Ala60Asp; replaces alanine 60 with aspartic acid.
Molecular consequence: missense variant.
Genome position (GRCh38, 1-based): chr9:35,095,387, G>T on the plus strand (C>A on the coding strand, the complement: PIGO is on the minus strand). VCF-style: chr9-35095387-G-T. GRCh37 (hg19) VCF-style: chr9-35095384-G-T.
Other names: c.179C>A, p.Ala60Asp (NM_001201484.2, NM_152850.4); short protein forms A60D.
Identifiers: ClinVar variation 2429587 (VCV002429587.3), dbSNP rs1044209492, ClinGen allele CA373324817.